The following is an entry in ClinVar:

ClinVar aggregate classification (germline): Likely benign (0 of 4 stars; one submission).

Conditions:
DENND4B-related disorder. Also called: DENND4B-related condition.

Submission:

PreventionGenetics, part of Exact Sciences
Classification: Likely benign for DENND4B-related condition. Last evaluated: 2019-12-17. Review status: no assertion criteria provided. Collection method: clinical testing. Allele origin: germline.
Comment: This variant is classified as likely benign based on ACMG/AMP sequence variant interpretation guidelines (Richards et al. 2015 PMID: 25741868, with internal and published modifications).

NM_014856.3(DENND4B):c.2703_2729del (p.Gln902_Gln910del)

Gene: DENND4B (DENN domain containing 4B; minus strand). Cytogenetic location: 1q21.3.
Variant type: Deletion.
Coding change: c.2703_2729del on transcript NM_014856.3 (MANE Select); coding-DNA positions 2703 to 2729, 27 bases deleted (ACAGCAGCAGCAGCAGCAGCAGCAGCA).
Protein change: p.Gln902_Gln910del.
Genome position (GRCh38, 1-based): chr1:153,934,804-153,934,830, TGCTGCTGCTGCTGCTGCTGCTGCTGT deleted on the plus strand (ACAGCAGCAGCAGCAGCAGCAGCAGCA on the coding strand, the reverse complement: DENND4B is on the minus strand); deleting any 27 consecutive bases within chr1:153,934,804-153,934,847 gives the same sequence; the c. name uses the placement nearest the transcript's 3' end. VCF-style (leftmost placement, unchanged base first): chr1-153934803-CTGCTGCTGCTGCTGCTGCTGCTGCTGT-C. GRCh37 (hg19) VCF-style: chr1-153907279-CTGCTGCTGCTGCTGCTGCTGCTGCTGT-C.
Other names: c.2736_2762del, p.Gln913_Gln921del (NM_001367466.1).
Identifiers: ClinVar variation 3033510 (VCV003033510.2), dbSNP rs763700729, ClinGen allele CA1121365.